The following is an entry in ClinVar:

ClinVar aggregate classification (germline): Uncertain significance. Review status: criteria provided, multiple submitters, no conflicts (2 of 4 stars). 2 submissions from 2 submitters: Uncertain significance (2). Last evaluated 2025-07-07.

Allele frequency attached by ClinVar (database versions not stated): gnomAD exomes below 0.00001.
gnomAD v4.1: 1 of 1,613,758 alleles (0.000062%); highest among the groups gnomAD compares: South Asian, 0.0011%; no homozygotes.

Submissions (2):

Labcorp Genetics (formerly Invitae), Labcorp
Classification: Uncertain significance. Last evaluated: 2025-07-07. Review status: criteria provided, single submitter. Criteria: Invitae Variant Classification Sherloc (09022015). Collection method: clinical testing. Allele origin: germline.
Comment: This sequence change replaces serine, which is neutral and polar, with cysteine, which is neutral and slightly polar, at codon 241 of the MYSM1 protein (p.Ser241Cys). This variant is present in population databases (no rsID available, gnomAD 0.003%). This variant has not been reported in the literature in individuals affected with MYSM1-related conditions. ClinVar contains an entry for this variant (Variation ID: 1941667). Invitae Evidence Modeling of protein sequence and biophysical properties (such as structural, functional, and spatial information, amino acid conservation, physicochemical variation, residue mobility, and thermodynamic stability) indicates that this missense variant is not expected to disrupt MYSM1 protein function with a negative predictive value of 80%. In summary, the available evidence is currently insufficient to determine the role of this variant in disease. Therefore, it has been classified as a Variant of Uncertain Significance.

Blueprint Genetics
Classification: Uncertain significance. Last evaluated: 2022-10-31. Review status: criteria provided, single submitter. Criteria: ACMG Guidelines, 2015. Collection method: clinical testing. Allele origin: germline.

NM_001085487.3(MYSM1):c.722C>G (p.Ser241Cys)

Gene: MYSM1 (Myb like, SWIRM and MPN domains 1; minus strand). Cytogenetic location: 1p32.1.
Variant type: single nucleotide variant.
Coding change: c.722C>G on transcript NM_001085487.3 (MANE Select); coding-DNA position 722, C replaced by G.
Protein change: p.Ser241Cys; replaces serine 241 with cysteine.
Molecular consequence: missense variant.
Genome position (GRCh38, 1-based): chr1:58,682,322, G>C on the plus strand (C>G on the coding strand, the complement: MYSM1 is on the minus strand). VCF-style: chr1-58682322-G-C. GRCh37 (hg19) VCF-style: chr1-59147994-G-C.
Other names: short protein forms S241C.
Identifiers: ClinVar variation 1941667 (VCV001941667.6), dbSNP rs901280980, ClinGen allele CA22872818.